The following is an entry in ClinVar:

ClinVar aggregate classification (germline): Benign. Review status: criteria provided, multiple submitters, no conflicts (2 of 4 stars). 5 submissions from 4 submitters: Benign (5). Last evaluated 2023-11-12.

Conditions:
Familial cold autoinflammatory syndrome 3 (FCAS3). Also called: ANTIBODY DEFICIENCY AND IMMUNE DYSREGULATION, PLCG2-ASSOCIATED; FAMILIAL ATYPICAL COLD URTICARIA. Identifiers: Orphanet 300359, MedGen C3280914, MONDO:0013766, OMIM 614468.
Autoinflammation-PLCG2-associated antibody deficiency-immune dysregulation. Also called: Autoinflammation, antibody deficiency, and immune dysregulation, plcg2-associated; AUTOINFLAMMATION, ANTIBODY DEFICIENCY, AND IMMUNE DYSREGULATION; Autoinflammation, antibody deficiency, and immune dysregulation syndrome. Identifiers: Orphanet 324530, MedGen C3553961, MONDO:0013944, OMIM 614878.

Allele frequency attached by ClinVar (database versions not stated): 1000 Genomes Project 30x 0.26858; TOPMed 0.27372; 1000 Genomes Project 0.27416; ESP Exome Variant Server 0.27646; gnomAD 0.28270 and 0.28480; gnomAD exomes 0.31218 and 0.31374; ExAC 0.31263.
gnomAD v4.1: 499,600 of 1,611,210 alleles (31%); highest among the groups gnomAD compares: Middle Eastern, 36%; 79,459 homozygotes.

Submissions (5):

Unidad de Genómica Garrahan, Hospital de Pediatría Garrahan
Classification: Benign. Last evaluated: 2023-11-12. Review status: criteria provided, single submitter. Criteria: ACMG Guidelines, 2015. Collection method: clinical testing. Allele origin: germline. Affected: no. Observed: 35 variant alleles.
Comment: This variant is classified as Benign based on local population frequency. This variant was detected in 36% of patients studied by a panel of primary immunodeficiencies. Number of patients: 35. Only high quality variants are reported.

Genome-Nilou Lab
Classification: Benign for Autoinflammation-PLCG2-associated antibody deficiency-immune dysregulation. Last evaluated: 2021-10-25. Review status: criteria provided, single submitter. Criteria: ACMG Guidelines, 2015. Collection method: clinical testing. Allele origin: germline. Affected: no.

Genome-Nilou Lab
Classification: Benign for Familial cold autoinflammatory syndrome 3. Last evaluated: 2021-10-25. Review status: criteria provided, single submitter. Criteria: ACMG Guidelines, 2015. Collection method: clinical testing. Allele origin: germline. Affected: no.

GeneDx
Classification: Benign. Last evaluated: 2021-05-14. Review status: criteria provided, single submitter. Criteria: GeneDx Variant Classification Process June 2021. Collection method: clinical testing. Allele origin: germline. Affected: yes.

Breakthrough Genomics
Classification: Benign. Review status: criteria provided, single submitter. Criteria: ACMG Guidelines, 2015. Collection method: not provided. Allele origin: germline. Inheritance: Autosomal dominant inheritance. Affected: yes.

NM_002661.5(PLCG2):c.692+25C>T

Gene: PLCG2 (phospholipase C gamma 2; plus strand). Cytogenetic location: 16q23.3.
Variant type: single nucleotide variant.
Coding change: c.692+25C>T on transcript NM_002661.5 (MANE Select); 25 bases into the intron after coding-DNA position 692, C replaced by T.
Molecular consequence: intron variant.
Genome position (GRCh38, 1-based): chr16:81,880,978, C>T. VCF-style: chr16-81880978-C-T. GRCh37 (hg19) VCF-style: chr16-81914583-C-T.
Identifiers: ClinVar variation 1246645 (VCV001246645.7), dbSNP rs11865395, ClinGen allele CA8193363.